The following is an entry in ClinVar:

NM_001029883.3(PCARE):c.2138A>G (p.Glu713Gly)

Gene: PCARE (photoreceptor cilium actin regulator; minus strand). Cytogenetic location: 2p23.2.
Variant type: single nucleotide variant.
Coding change: c.2138A>G on transcript NM_001029883.3 (MANE Select); coding-DNA position 2138, A replaced by G.
Protein change: p.Glu713Gly; replaces glutamic acid 713 with glycine.
Molecular consequence: missense variant.
Genome position (GRCh38, 1-based): chr2:29,072,124, T>C on the plus strand (A>G on the coding strand, the complement: PCARE is on the minus strand). VCF-style: chr2-29072124-T-C. GRCh37 (hg19) VCF-style: chr2-29294990-T-C.
Other names: short protein forms E713G.
Identifiers: ClinVar variation 1943373 (VCV001943373.3), dbSNP rs750458396, ClinGen allele CA1592273.

ClinVar aggregate classification (germline): Uncertain significance (1 of 4 stars; one submission).

Allele frequency attached by ClinVar (database versions not stated): TOPMed 0.00001; gnomAD 0.00002; gnomAD exomes 0.00002; ExAC 0.00001.
gnomAD v4.1: 30 of 1,614,112 alleles (0.0019%); highest among the groups gnomAD compares: Middle Eastern, 0.016%; 1 homozygote.

Submission:

Labcorp Genetics (formerly Invitae), Labcorp
Classification: Uncertain significance. Last evaluated: 2022-05-15. Review status: criteria provided, single submitter. Criteria: Invitae Variant Classification Sherloc (09022015). Collection method: clinical testing. Allele origin: germline.
Comment: This sequence change replaces glutamic acid, which is acidic and polar, with glycine, which is neutral and non-polar, at codon 713 of the PCARE protein (p.Glu713Gly). This variant is present in population databases (rs750458396, gnomAD 0.01%). This variant has not been reported in the literature in individuals affected with PCARE-related conditions. Algorithms developed to predict the effect of missense changes on protein structure and function output the following: SIFT: "Tolerated"; PolyPhen-2: "Benign"; Align-GVGD: "Class C15". The glycine amino acid residue is found in multiple mammalian species, which suggests that this missense change does not adversely affect protein function. In summary, the available evidence is currently insufficient to determine the role of this variant in disease. Therefore, it has been classified as a Variant of Uncertain Significance.